The following is an entry in ClinVar:

NM_001267550.2(TTN):c.11709T>A (p.Cys3903Ter)

Gene: TTN (titin; minus strand). Cytogenetic location: 2q31.2.
Variant type: single nucleotide variant.
Coding change: c.11709T>A on transcript NM_001267550.2 (MANE Select); coding-DNA position 11709, T replaced by A.
Protein change: p.Cys3903Ter; replaces cysteine 3903 with a stop codon.
Molecular consequence: nonsense. On other transcripts: intron variant (1).
Genome position (GRCh38, 1-based): chr2:178,741,524, A>T on the plus strand (T>A on the coding strand, the complement: TTN is on the minus strand). VCF-style: chr2-178741524-A-T. GRCh37 (hg19) VCF-style: chr2-179606251-A-T.
Other names: c.10758T>A, p.Cys3586Ter (NM_001256850.1); c.10620T>A, p.Cys3540Ter (NM_003319.4); c.10995T>A, p.Cys3665Ter (NM_133432.3); c.11196T>A, p.Cys3732Ter (NM_133437.4); c.10361-3164T>A (NM_133378.4); short protein forms C3540*, C3586*, C3665*, C3732*, C3903*.
Identifiers: ClinVar variation 1330741 (VCV001330741.10), dbSNP rs2082478614, ClinGen allele CA349619896.

ClinVar aggregate classification (germline): Likely pathogenic. Review status: criteria provided, multiple submitters, no conflicts (2 of 4 stars). 3 submissions from 3 submitters: Likely pathogenic (3). Last evaluated 2024-11-07.

Conditions:
Dilated cardiomyopathy 1G (CMD1G). Identifiers: Orphanet 154, MedGen C1858763, MONDO:0011400, OMIM 604145.
Autosomal recessive limb-girdle muscular dystrophy type 2J (LGMDR10). Also called: Limb-girdle muscular dystrophy, type 2J; MUSCULAR DYSTROPHY, LIMB-GIRDLE, AUTOSOMAL RECESSIVE 10. Identifiers: Orphanet 140922, MedGen C1837342, MONDO:0012127, OMIM 608807.
Early-onset myopathy with fatal cardiomyopathy (CMYO5). Also called: CONGENITAL MYOPATHY 5 WITH CARDIOMYOPATHY; Salih Myopathy. Identifiers: Orphanet 289377, MedGen C2673677, MONDO:0012714, OMIM 611705. Disease mechanism: loss of function.

Submissions (3):

Labcorp Genetics (formerly Invitae), Labcorp
Classification: Likely pathogenic for Dilated cardiomyopathy 1G; Autosomal recessive limb-girdle muscular dystrophy type 2J. Last evaluated: 2024-11-07. Review status: criteria provided, single submitter. Criteria: Invitae Variant Classification Sherloc (09022015). Collection method: clinical testing. Allele origin: germline.
Comment: This sequence change creates a premature translational stop signal (p.Cys3903*) in the TTN gene. While this is not anticipated to result in nonsense mediated decay, it is expected to create a truncated TTN protein. This variant is not present in population databases (gnomAD no frequency). This variant has not been reported in the literature in individuals affected with TTN-related conditions. ClinVar contains an entry for this variant (Variation ID: 1330741). This variant is located in the I band of TTN (PMID: 25589632). Truncating variants in this region have been reported in individuals affected with autosomal recessive centronuclear myopathy (PMID: 23975875, internal data). Truncating variants in this region have also been identified in individuals affected with autosomal dominant dilated cardiomyopathy and/or cardio-related conditions (PMID: 27869827, 32964742, internal data). In summary, the currently available evidence indicates that the variant is pathogenic, but additional data are needed to prove that conclusively. Therefore, this variant has been classified as Likely Pathogenic.

Baylor Genetics
Classification: Likely pathogenic for Salih myopathy. Last evaluated: 2023-09-18. Review status: criteria provided, single submitter. Criteria: ACMG Guidelines, 2015. Collection method: clinical testing. Allele origin: unknown.

ARUP Laboratories, Molecular Genetics and Genomics, ARUP Laboratories
Classification: Likely pathogenic. Last evaluated: 2020-10-20. Review status: criteria provided, single submitter. Criteria: ARUP Molecular Germline Variant Investigation Process 2021. Collection method: clinical testing. Allele origin: germline.
Comment: The TTN c.11709T>A; p.Cys3903* variant, to our knowledge, is not reported in the medical literature or gene specific databases. This variant is also absent from general population databases (Exome Variant Server, Genome Aggregation Database), indicating it is not a common polymorphism. This variant induces an early termination codon in exon 49, which is expressed in 100% of TTN transcripts, and is predicted to result in a truncated protein or mRNA subject to nonsense-mediated decay (Roberts 2015). Because truncating variants in constitutively expressed exons are significantly associated with dilated cardiomyopathy, this variant is considered to be likely pathogenic (Schafer 2017).

Literature cited by the submitters: PubMed 25589632 (cited by Labcorp Genetics (formerly Invitae), Labcorp); PubMed 23975875 (cited by Labcorp Genetics (formerly Invitae), Labcorp); PubMed 27869827 (cited by Labcorp Genetics (formerly Invitae), Labcorp); PubMed 32964742 (cited by Labcorp Genetics (formerly Invitae), Labcorp).